The following is an entry in ClinVar:

ClinVar aggregate classification (germline): Pathogenic (1 of 4 stars; one submission).

Conditions:
Capillary malformation-arteriovenous malformation syndrome. Also called: Capillary malformation-arteriovenous malformation. Identifiers: Orphanet 137667, MedGen C1842180, MONDO:0012016.

Submission:

Labcorp Genetics (formerly Invitae), Labcorp
Classification: Pathogenic for Capillary malformation-arteriovenous malformation syndrome. Last evaluated: 2024-08-31. Review status: criteria provided, single submitter. Criteria: Invitae Variant Classification Sherloc (09022015). Collection method: clinical testing. Allele origin: germline.
Comment: This sequence change creates a premature translational stop signal (p.Glu343*) in the RASA1 gene. It is expected to result in an absent or disrupted protein product. Loss-of-function variants in RASA1 are known to be pathogenic (PMID: 24038909). This variant is not present in population databases (gnomAD no frequency). This variant has not been reported in the literature in individuals affected with RASA1-related conditions. Algorithms developed to predict the effect of sequence changes on RNA splicing suggest that this variant may disrupt the consensus splice site. For these reasons, this variant has been classified as Pathogenic.

Literature cited by the submitters: PubMed 24038909.

NM_002890.3(RASA1):c.1027_1037del (p.Glu342_Glu343insTer)

Genes: CCNH (cyclin H; minus strand), RASA1 (RAS p21 protein activator 1; plus strand). Cytogenetic location: 5q14.3.
Variant type: Deletion.
Coding change: c.1027_1037del on transcript NM_002890.3 (MANE Select); coding-DNA positions 1027 to 1037, 11 bases deleted (GAAGATCCACA).
Protein change: p.Glu342_Glu343insTer.
Molecular consequence: nonsense. On other transcripts: intron variant (1).
Genome position (GRCh38, 1-based): chr5:87,341,299-87,341,309, GAAGATCCACA deleted; deleting any 11 consecutive bases within chr5:87,341,298-87,341,309 gives the same sequence; the c. name uses the placement nearest the transcript's 3' end. VCF-style (leftmost placement, unchanged base first): chr5-87341297-AAGAAGATCCAC-A. GRCh37 (hg19) VCF-style: chr5-86637114-AAGAAGATCCAC-A.
Other names: c.496_506del, p.Glu165_Glu166insTer (NM_022650.3); c.934-28513_934-28503del (NM_001364075.2).
Identifiers: ClinVar variation 3663026 (VCV003663026.2).
Genomic context (GRCh38, chr5:87,341,297, plus strand): 5'-AAATTGATTAATAGTTAATTATATAAAATACTGTCTTAATGTCTTCCCTTTAGGGCCGGG[AAGAAGATCCAC>A]ATGAAGGAAAAATGTGAGTTTGTGTTAATTATTAAAATGAAAAAAAAAATCTATATTGTA-3'